The following is an entry in ClinVar:

ClinVar aggregate classification (germline): Pathogenic (1 of 4 stars; one submission).

Conditions:
Intellectual developmental disorder with autistic features and language delay, with or without seizures. Identifiers: MedGen C5394447, MONDO:0030051, OMIM 618906.

Submission:

Undiagnosed Diseases Network, NIH
Classification: Pathogenic for Intellectual developmental disorder with autistic features and language delay, with or without seizures. Last evaluated: 2026-05-12. Review status: criteria provided, single submitter. Criteria: ACMG Guidelines, 2015. Collection method: clinical testing. Allele origin: unknown. Inheritance: Autosomal dominant inheritance. Affected: yes. Observed: 1 variant allele, 1 heterozygote. Study: Undiagnosed Diseases Network, UDN.
Comment: Deletion includes exon 4 - 10 of the TANC2 gene and is predicted to be inframe, involving multiple coding exons.

Single allele

Genes: TANC2 (tetratricopeptide repeat, ankyrin repeat and coiled-coil containing 2; plus strand), LOC126862612 (MED14-independent group 3 enhancer GRCh37_chr17:61259160-61260359; plus strand). Cytogenetic location: 17q23.3.
Variant type: Deletion.
Identifiers: ClinVar variation 4974771 (VCV004974771.1).